The following is an entry in ClinVar:

ClinVar aggregate classification (germline): Uncertain significance (1 of 4 stars; one submission).

Conditions:
Spermatogenic failure 18. Identifiers: MedGen C4539783, MONDO:0054615, OMIM 617576.
Ciliary dyskinesia, primary, 37 (CILD37). Also called: CILIARY DYSKINESIA, PRIMARY, 37, WITH OR WITHOUT SITUS INVERSUS. Identifiers: MedGen C4539798, MONDO:0033204, OMIM 617577.

gnomAD v4.1: 214 of 1,613,636 alleles (0.013%); highest among the groups gnomAD compares: Non-Finnish European, 0.018%; 1 homozygote.

Submission:

Labcorp Genetics (formerly Invitae), Labcorp
Classification: Uncertain significance for Ciliary dyskinesia, primary, 37; Spermatogenic failure 18. Last evaluated: 2025-03-27. Review status: criteria provided, single submitter. Criteria: Invitae Variant Classification Sherloc (09022015). Collection method: clinical testing. Allele origin: germline.
Comment: This sequence change replaces glutamic acid, which is acidic and polar, with lysine, which is basic and polar, at codon 3336 of the DNAH1 protein (p.Glu3336Lys). This variant is present in population databases (rs748670005, gnomAD 0.009%). This variant has not been reported in the literature in individuals affected with DNAH1-related conditions. Invitae Evidence Modeling of protein sequence and biophysical properties (such as structural, functional, and spatial information, amino acid conservation, physicochemical variation, residue mobility, and thermodynamic stability) has been performed for this missense variant. However, the output from this modeling did not meet the statistical confidence thresholds required to predict the impact of this variant on DNAH1 protein function. In summary, the available evidence is currently insufficient to determine the role of this variant in disease. Therefore, it has been classified as a Variant of Uncertain Significance.

NM_015512.5(DNAH1):c.10006G>A (p.Glu3336Lys)

Gene: DNAH1 (dynein axonemal heavy chain 1; plus strand). Cytogenetic location: 3p21.1.
Variant type: single nucleotide variant.
Coding change: c.10006G>A on transcript NM_015512.5 (MANE Select); coding-DNA position 10006, G replaced by A.
Protein change: p.Glu3336Lys; replaces glutamic acid 3336 with lysine.
Molecular consequence: missense variant.
Genome position (GRCh38, 1-based): chr3:52,391,557, G>A. VCF-style: chr3-52391557-G-A. GRCh37 (hg19) VCF-style: chr3-52425573-G-A.
Other names: short protein forms E3336K.
Identifiers: ClinVar variation 4794300 (VCV004794300.1).
Genomic context (GRCh38, chr3:52,391,557, plus strand): 5'-TACCATGAGGACTTCAGGATGTACATCACCACCAAGCTGCCCAACCCACACTACACGCCC[G>A]AGATCTCCACCAAACTCACCCTCATCAACTTCACCCTGTCGCCCAGGTGAGCCCCCACTC-3'
Protein context (NP_056327.4, residues 3326-3346): TKLPNPHYTP[Glu3336Lys]ISTKLTLINF